The following is an entry in ClinVar:

ClinVar aggregate classification (germline): Uncertain significance (1 of 4 stars; one submission).

Conditions:
Hereditary sensory and autonomic neuropathy type 6. Also called: HSAN VI; Neuropathy, hereditary sensory and autonomic, type VI. Identifiers: Orphanet 314381, MedGen C3539003, MONDO:0013839, OMIM 614653.
Epidermolysis bullosa simplex 3, localized or generalized intermediate, with BP230 deficiency (EBS3). Also called: Epidermolysis bullosa simplex, autosomal recessive 2; Epidermolysis bullosa simplex due to BP230 deficiency. Identifiers: Orphanet 412181, MedGen C3809470, MONDO:0014180, OMIM 615425.

Allele frequency attached by ClinVar (database versions not stated): gnomAD exomes below 0.00001 and 0.00002; TOPMed below 0.00001; ExAC 0.00002.
gnomAD v4.1: 2 of 1,614,122 alleles (0.00012%); highest among the groups gnomAD compares: East Asian, 0.0022%; no homozygotes.

Submission:

Labcorp Genetics (formerly Invitae), Labcorp
Classification: Uncertain significance for Epidermolysis bullosa simplex 3, localized or generalized intermediate, with BP230 deficiency; Hereditary sensory and autonomic neuropathy type 6. Last evaluated: 2022-10-13. Review status: criteria provided, single submitter. Criteria: Invitae Variant Classification Sherloc (09022015). Collection method: clinical testing. Allele origin: germline.
Comment: Algorithms developed to predict the effect of missense changes on protein structure and function are either unavailable or do not agree on the potential impact of this missense change (SIFT: "Deleterious"; PolyPhen-2: "Benign"; Align-GVGD: "Class C0"). This sequence change replaces alanine, which is neutral and non-polar, with glycine, which is neutral and non-polar, at codon 2003 of the DST protein (p.Ala2003Gly). This variant is present in population databases (rs778742941, gnomAD 0.02%). This variant has not been reported in the literature in individuals affected with DST-related conditions. ClinVar contains an entry for this variant (Variation ID: 1447097). In summary, the available evidence is currently insufficient to determine the role of this variant in disease. Therefore, it has been classified as a Variant of Uncertain Significance.

NM_001723.7(DST):c.6008C>G (p.Ala2003Gly)

Gene: DST (dystonin; minus strand). Cytogenetic location: 6p12.1.
Variant type: single nucleotide variant.
Coding change: c.6008C>G on transcript NM_001723.7 (MANE Plus Clinical); coding-DNA position 6008, C replaced by G.
Protein change: p.Ala2003Gly; replaces alanine 2003 with glycine.
Molecular consequence: missense variant. On other transcripts: intron variant (10).
Genome position (GRCh38, 1-based): chr6:56,618,026, G>C on the plus strand (C>G on the coding strand, the complement: DST is on the minus strand). VCF-style: chr6-56618026-G-C. GRCh37 (hg19) VCF-style: chr6-56482824-G-C.
Other names: c.4831-3542C>G (NM_001144769.5); c.4930-3542C>G (NM_001374722.1, NM_001374736.1); c.4957-3542C>G (NM_001374734.1); c.4417-3542C>G (NM_001144770.2); c.4297-3542C>G (NM_001374730.1, NM_001386100.1, NM_183380.4 and 1 more transcripts); c.3319-3542C>G (NM_015548.5); short protein forms A2003G.
Identifiers: ClinVar variation 1447097 (VCV001447097.6), dbSNP rs778742941, ClinGen allele CA3870263.